The following is an entry in ClinVar:

ClinVar aggregate classification (germline): Uncertain significance (1 of 4 stars; one submission).

Conditions:
Congenital sensory neuropathy with selective loss of small myelinated fibers (HSAN5). Also called: HSAN Type V. Identifiers: Orphanet 64752, MedGen C0020075, MONDO:0012092, OMIM 608654.

Allele frequency attached by ClinVar (database versions not stated): gnomAD exomes below 0.00001.
gnomAD v4.1: 2 of 1,614,168 alleles (0.00012%); highest among the groups gnomAD compares: Non-Finnish European, 0.00017%; no homozygotes.

Submission:

Labcorp Genetics (formerly Invitae), Labcorp
Classification: Uncertain significance for Congenital sensory neuropathy with selective loss of small myelinated fibers. Last evaluated: 2022-05-27. Review status: criteria provided, single submitter. Criteria: Invitae Variant Classification Sherloc (09022015). Collection method: clinical testing. Allele origin: germline.
Comment: In summary, the available evidence is currently insufficient to determine the role of this variant in disease. Therefore, it has been classified as a Variant of Uncertain Significance. Algorithms developed to predict the effect of missense changes on protein structure and function (SIFT, PolyPhen-2, Align-GVGD) all suggest that this variant is likely to be tolerated. This variant has not been reported in the literature in individuals affected with NGF-related conditions. This variant is not present in population databases (gnomAD no frequency). This sequence change replaces proline, which is neutral and non-polar, with serine, which is neutral and polar, at codon 182 of the NGF protein (p.Pro182Ser).

NM_002506.3(NGF):c.544C>T (p.Pro182Ser)

Genes: NGF (nerve growth factor; minus strand), NGF-AS1 (NGF antisense RNA 1; plus strand). Cytogenetic location: 1p13.2.
Variant type: single nucleotide variant.
Coding change: c.544C>T on transcript NM_002506.3 (MANE Select); coding-DNA position 544, C replaced by T.
Protein change: p.Pro182Ser; replaces proline 182 with serine.
Molecular consequence: missense variant.
Genome position (GRCh38, 1-based): chr1:115,286,252, G>A on the plus strand (C>T on the coding strand, the complement: NGF is on the minus strand). VCF-style: chr1-115286252-G-A. GRCh37 (hg19) VCF-style: chr1-115828873-G-A.
Other names: short protein forms P182S.
Identifiers: ClinVar variation 1981925 (VCV001981925.4), dbSNP rs2525329722, ClinGen allele CA341836313.